The following is an entry in ClinVar:

ClinVar aggregate classification (germline): Likely benign (1 of 4 stars; one submission).

gnomAD v4.1: 49 of 1,581,222 alleles (0.0031%); highest among the groups gnomAD compares: Non-Finnish European, 0.0027%; no homozygotes.

Submission:

Mayo Clinic Laboratories, Mayo Clinic
Classification: Likely benign. Last evaluated: 2025-07-10. Review status: criteria provided, single submitter. Criteria: ACMG Guidelines, 2015. Collection method: clinical testing. Allele origin: germline. Observed: 1 variant allele.
Comment: BP4, BP7

NM_002495.4(NDUFS4):c.425-3T>A

Gene: NDUFS4 (NADH:ubiquinone oxidoreductase subunit S4; plus strand). Cytogenetic location: 5q11.2.
Variant type: single nucleotide variant.
Coding change: c.425-3T>A on transcript NM_002495.4 (MANE Select); 3 bases into the intron before coding-DNA position 425, T replaced by A.
Molecular consequence: intron variant.
Genome position (GRCh38, 1-based): chr5:53,683,115, T>A. VCF-style: chr5-53683115-T-A. GRCh37 (hg19) VCF-style: chr5-52978945-T-A.
Other names: p.?; c.351-3T>A (NM_001318051.2).
Identifiers: ClinVar variation 4684836 (VCV004684836.1).